The following is an entry in ClinVar:

NM_000235.4(LIPA):c.944A>G (p.Lys315Arg)

Gene: LIPA (lipase A, lysosomal acid type; minus strand). Cytogenetic location: 10q23.31.
Variant type: single nucleotide variant.
Coding change: c.944A>G on transcript NM_000235.4 (MANE Select); coding-DNA position 944, A replaced by G.
Protein change: p.Lys315Arg; replaces lysine 315 with arginine.
Molecular consequence: missense variant.
Genome position (GRCh38, 1-based): chr10:89,215,960, T>C on the plus strand (A>G on the coding strand, the complement: LIPA is on the minus strand). VCF-style: chr10-89215960-T-C. GRCh37 (hg19) VCF-style: chr10-90975717-T-C.
Other names: c.944A>G, p.Lys315Arg (NM_001127605.3); c.596A>G, p.Lys199Arg (NM_001288979.2); short protein forms K315R, K199R.
Identifiers: ClinVar variation 2078376 (VCV002078376.1), dbSNP rs763502734, ClinGen allele CA5593562.

ClinVar aggregate classification (germline): Uncertain significance (1 of 4 stars; one submission).

Conditions:
Wolman disease (WOLD). Also called: Acid cholesteryl ester hydrolase deficiency, Wolman type; Acid lipase disease; LYSOSOMAL ACID LIPASE DEFICIENCY, ACUTE INFANTILE; LYSOSOMAL ACID LIPASE DEFICIENCY, COMPLETE; LIPA DEFICIENCY, COMPLETE; LAL DEFICIENCY, COMPLETE. Identifiers: Orphanet 75233, MedGen C0043208, MONDO:0019148, OMIM 620151.

Allele frequency attached by ClinVar (database versions not stated): TOPMed below 0.00001; gnomAD 0.00001; gnomAD exomes below 0.00001; ExAC 0.00001.
gnomAD v4.1: 4 of 1,611,222 alleles (0.00025%); highest among the groups gnomAD compares: Non-Finnish European, 0.00034%; no homozygotes.

Submission:

Labcorp Genetics (formerly Invitae), Labcorp
Classification: Uncertain significance for Wolman disease. Last evaluated: 2022-02-25. Review status: criteria provided, single submitter. Criteria: Invitae Variant Classification Sherloc (09022015). Collection method: clinical testing. Allele origin: germline.
Comment: This sequence change replaces lysine, which is basic and polar, with arginine, which is basic and polar, at codon 315 of the LIPA protein (p.Lys315Arg). This variant is present in population databases (rs763502734, gnomAD 0.002%). This variant has not been reported in the literature in individuals affected with LIPA-related conditions. Algorithms developed to predict the effect of missense changes on protein structure and function output the following: SIFT: "Tolerated"; PolyPhen-2: "Benign"; Align-GVGD: "Class C0". The arginine amino acid residue is found in multiple mammalian species, which suggests that this missense change does not adversely affect protein function. In summary, the available evidence is currently insufficient to determine the role of this variant in disease. Therefore, it has been classified as a Variant of Uncertain Significance.